The following is an entry in ClinVar:

NM_000038.6(APC):c.1959-138A>G

Gene: APC (APC regulator of WNT signaling pathway; plus strand). Cytogenetic location: 5q22.2.
Variant type: single nucleotide variant.
Coding change: c.1959-138A>G on transcript NM_000038.6 (MANE Select); 138 bases into the intron before coding-DNA position 1959, A replaced by G.
Molecular consequence: intron variant.
Genome position (GRCh38, 1-based): chr5:112,837,415, A>G. VCF-style: chr5-112837415-A-G. GRCh37 (hg19) VCF-style: chr5-112173112-A-G.
Other names: c.1959-138A>G (NM_001354895.2, NM_001127510.3); c.1989-138A>G (NM_001354897.2); c.1686-138A>G (NM_001354902.2); c.1905-138A>G (NM_001127511.3); c.1884-138A>G (NM_001354898.2); c.1581-138A>G (NM_001354904.2); c.1110-138A>G (NM_001354906.2); c.2013-138A>G (NM_001354896.2); and 5 more.
Identifiers: ClinVar variation 83233 (VCV000083233.2), dbSNP rs76565799, ClinGen allele CA006781.

ClinVar aggregate classification (germline): other (0 of 4 stars; one submission).

Conditions:
Familial colorectal cancer. Identifiers: MedGen CN280943, MONDO:0023113. Disease mechanism: loss of function.

Allele frequency attached by ClinVar (database versions not stated): gnomAD exomes 0.00001.
gnomAD v4.1: 2 of 536,892 alleles (0.00037%); highest among the groups gnomAD compares: Non-Finnish European, 0.00064%; no homozygotes.

Submission:

Systems Biology Platform Zhejiang California International NanoSystems Institute
Classification: other for Familial colorectal cancer. Review status: no assertion criteria provided. Collection method: not provided. Allele origin: unknown.
ClinVar note: Converted during submission from cancer to other.